The following is an entry in ClinVar:

NM_021930.6(RINT1):c.465C>G (p.Ile155Met)

Gene: RINT1 (RAD50 interactor 1; plus strand). Cytogenetic location: 7q22.3.
Variant type: single nucleotide variant.
Coding change: c.465C>G on transcript NM_021930.6 (MANE Select); coding-DNA position 465, C replaced by G.
Protein change: p.Ile155Met; replaces isoleucine 155 with methionine.
Molecular consequence: missense variant. On other transcripts: 5 prime UTR variant (3), non-coding transcript variant (1).
Genome position (GRCh38, 1-based): chr7:105,542,599, C>G. VCF-style: chr7-105542599-C-G. GRCh37 (hg19) VCF-style: chr7-105183046-C-G.
Other names: c.231C>G, p.Ile77Met (NM_001346599.2); c.-555C>G (NM_001346600.2); c.-458C>G (NM_001346601.2); c.-78C>G (NM_001346603.2); short protein forms I155M, I77M.
Identifiers: ClinVar variation 841992 (VCV000841992.13), dbSNP rs79893877, ClinGen allele CA4426431.

ClinVar aggregate classification (germline): Uncertain significance. Review status: criteria provided, multiple submitters, no conflicts (2 of 4 stars). 2 submissions from 2 submitters: Uncertain significance (2). Last evaluated 2024-08-16.

Allele frequency attached by ClinVar (database versions not stated): TOPMed 0.00001.
gnomAD v4.1: 8 of 1,613,976 alleles (0.0005%); highest among the groups gnomAD compares: Non-Finnish European, 0.00051%; no homozygotes.

Submissions (2):

Ambry Genetics
Classification: Uncertain significance. Last evaluated: 2024-08-16. Review status: criteria provided, single submitter. Criteria: Ambry Variant Classification Scheme 2023. Collection method: clinical testing. Allele origin: germline.
Comment: The p.I155M variant (also known as c.465C>G), located in coding exon 4 of the RINT1 gene, results from a C to G substitution at nucleotide position 465. The isoleucine at codon 155 is replaced by methionine, an amino acid with highly similar properties. This amino acid position is well conserved in available vertebrate species. In addition, this alteration is predicted to be tolerated by in silico analysis. The evidence for this gene-disease relationship is limited; therefore, the clinical significance of this alteration is unclear.

Labcorp Genetics (formerly Invitae), Labcorp
Classification: Uncertain significance. Last evaluated: 2019-02-24. Review status: criteria provided, single submitter. Criteria: Invitae Variant Classification Sherloc (09022015). Collection method: clinical testing. Allele origin: germline.
Comment: This sequence change replaces isoleucine with methionine at codon 155 of the RINT1 protein (p.Ile155Met). The isoleucine residue is highly conserved and there is a small physicochemical difference between isoleucine and methionine. This variant is present in population databases (rs79893877, ExAC 0.001%). This variant has not been reported in the literature in individuals with RINT1-related conditions. Algorithms developed to predict the effect of missense changes on protein structure and function are either unavailable or do not agree on the potential impact of this missense change (SIFT: "Deleterious"; PolyPhen-2: "Possibly Damaging"; Align-GVGD: "Class C0"). In summary, the available evidence is currently insufficient to determine the role of this variant in disease. Therefore, it has been classified as a Variant of Uncertain Significance.